The following is an entry in ClinVar:

NM_002857.4(PEX19):c.94G>C (p.Ala32Pro)

Gene: PEX19 (peroxisomal biogenesis factor 19; minus strand). Cytogenetic location: 1q23.2.
Variant type: single nucleotide variant.
Coding change: c.94G>C on transcript NM_002857.4 (MANE Select); coding-DNA position 94, G replaced by C.
Protein change: p.Ala32Pro; replaces alanine 32 with proline.
Molecular consequence: missense variant. On other transcripts: non-coding transcript variant (1).
Genome position (GRCh38, 1-based): chr1:160,283,616, C>G on the plus strand (G>C on the coding strand, the complement: PEX19 is on the minus strand). VCF-style: chr1-160283616-C-G. GRCh37 (hg19) VCF-style: chr1-160253406-C-G.
Other names: c.94G>C, p.Ala32Pro (NM_001193644.1); short protein forms A32P.
Identifiers: ClinVar variation 2000227 (VCV002000227.4), dbSNP rs1435788211, ClinGen allele CA343265082.

ClinVar aggregate classification (germline): Uncertain significance (1 of 4 stars; one submission).

Conditions:
Peroxisome biogenesis disorder 12A (Zellweger). Also called: Peroxisome biogenesis disorder 12A. Identifiers: Orphanet 912, MedGen C3554002, MONDO:0013951, OMIM 614886.

Submission:

Labcorp Genetics (formerly Invitae), Labcorp
Classification: Uncertain significance for Peroxisome biogenesis disorder 12A (Zellweger). Last evaluated: 2022-11-08. Review status: criteria provided, single submitter. Criteria: Invitae Variant Classification Sherloc (09022015). Collection method: clinical testing. Allele origin: germline.
Comment: In summary, the available evidence is currently insufficient to determine the role of this variant in disease. Therefore, it has been classified as a Variant of Uncertain Significance. Advanced modeling of protein sequence and biophysical properties (such as structural, functional, and spatial information, amino acid conservation, physicochemical variation, residue mobility, and thermodynamic stability) performed at Invitae indicates that this missense variant is not expected to disrupt PEX19 protein function. This variant has not been reported in the literature in individuals affected with PEX19-related conditions. This variant is not present in population databases (gnomAD no frequency). This sequence change replaces alanine, which is neutral and non-polar, with proline, which is neutral and non-polar, at codon 32 of the PEX19 protein (p.Ala32Pro).